The following is an entry in ClinVar:

ClinVar aggregate classification (germline): Likely pathogenic. Review status: criteria provided, multiple submitters, no conflicts (2 of 4 stars). 2 submissions from 2 submitters: Likely pathogenic (2). Last evaluated 2024-04-03.

Conditions:
MHC class II deficiency. Also called: BLS, TYPE II; Bare lymphocyte syndrome 2. Identifiers: Orphanet 572, MedGen C5447452, MONDO:0008855.
MHC class II deficiency 1 (MHC2D1). Also called: SCID, HLA CLASS II-NEGATIVE; Bare lymphocyte syndrome type 2, complementation group A; BARE LYMPHOCYTE SYNDROME, TYPE II, COMPLEMENTATION GROUP A. Identifiers: MedGen C1859534, MONDO:0971005, OMIM 209920.
Rheumatoid arthritis (RA). Also called: RHEUMATOID ARTHRITIS, SUSCEPTIBILITY TO. Identifiers: MedGen C0003873, MONDO:0008383, OMIM 180300, HP:0001370.

Submissions (2):

Fulgent Genetics
Classification: Likely pathogenic for Rheumatoid arthritis; MHC class II deficiency 1. Last evaluated: 2024-04-03. Review status: criteria provided, single submitter. Criteria: ACMG Guidelines, 2015. Collection method: clinical testing. Allele origin: germline.

Laboratory for Molecular Medicine, Mass General Brigham Personalized Medicine
Classification: Likely pathogenic for Bare lymphocyte syndrome 2. Last evaluated: 2017-09-20. Review status: criteria provided, single submitter. Criteria: LMM Criteria. Collection method: clinical testing. Allele origin: germline. Inheritance: Autosomal recessive inheritance. Observed: 1 variant allele.
Comment: The p.Leu114ProfsX13 variant in CIITA has not been previously reported in indivi duals with bare lymphocyte syndrome (also known as MHC class II immunodeficiency ) and was absent from large population studies. This variant is predicted to cau se a frameshift, which alters the protein?s amino acid sequence beginning at pos ition 114 and leads to a premature termination codon 13 amino acids downstream. This alteration is then predicted to lead to a truncated or absent protein. Bial lelic loss of function of the CIITA gene has been associated with bare lymphocyt e syndrome/immunodeficiency. In summary, although additional studies are require d to fully establish its clinical significance, the p.Leu114ProfsX13 variant is likely pathogenic for bare lymphocyte syndrome/immunodeficiency in an autosomal recessive manner based on a predicted variant effect.

NM_000246.4(CIITA):c.338dup (p.Leu114fs)

Gene: CIITA (class II major histocompatibility complex transactivator; plus strand). Cytogenetic location: 16p13.13.
Variant type: Duplication.
Coding change: c.338dup on transcript NM_000246.4 (MANE Select); coding-DNA position 338, one base duplicated (G; older notation c.338dupG).
Protein change: p.Leu114fs; shifts the reading frame from leucine 114.
Molecular consequence: frameshift variant. On other transcripts: non-coding transcript variant (1).
Genome position (GRCh38, 1-based): chr16:10,898,712, G duplicated; the last of 3 consecutive G bases (chr16:10,898,710-10,898,712); duplicating any one gives the same sequence. VCF-style (leftmost placement, unchanged base first): chr16-10898709-A-AG. GRCh37 (hg19) VCF-style: chr16-10992566-A-AG.
Other names: c.338dupG (NM_000246.3); c.338dup, p.Leu114fs (NM_001286402.1, NM_001286403.2, NM_001379330.1 and 3 more transcripts); c.266dup, p.Leu90fs (NM_001379334.1); short protein forms L114fs, L90fs.
Identifiers: ClinVar variation 666964 (VCV000666964.5), dbSNP rs1596513253, ClinGen allele CA915946272.
Genomic context (GRCh38, chr16:10,898,709, plus strand): 5'-CGCTTTTCCTTGTCTGGGCAGCGGAACTGGACCAGTATGTCTTCCAGGACTCCCAGCTGG[A>AG]GGGCCTGAGCAAGGACATTTTCAGTAAGTTTGTGGTGGGTGGGGAGGTCTTGGCTCAGCC-3'